The following is an entry in ClinVar:

NC_000009.12:g.35658042_35658051del

Gene: RMRP (RNA component of mitochondrial RNA processing endoribonuclease; minus strand). Cytogenetic location: 9p13.3.
Variant type: Deletion.
Genome position: GRCh38 VCF-style: chr9-35658038-GTAGTATTTTA-G. GRCh37 (hg19) VCF-style: chr9-35658035-GTAGTATTTTA-G.
Identifiers: ClinVar variation 555151 (VCV000555151.8), dbSNP rs1554651552, ClinGen allele CA587570255.

ClinVar aggregate classification (germline): Uncertain significance. Review status: criteria provided, multiple submitters, no conflicts (2 of 4 stars). 3 submissions from 3 submitters: Uncertain significance (2). 1 of the submissions does not count toward it. Last evaluated 2024-05-23.

Conditions:
Metaphyseal chondrodysplasia, McKusick type (CHH). Also called: Cartilage-hair hypoplasia; Cartilage-Hair Hypoplasia (CHH). Identifiers: Orphanet 175, MedGen C0220748, MONDO:0009595, OMIM 250250.
Anauxetic dysplasia. Identifiers: Orphanet 93347, MedGen C1846796, MONDO:0011773.

Submissions (3):

Blueprint Genetics
Classification: Uncertain significance. Last evaluated: 2024-05-23. Review status: criteria provided, single submitter. Criteria: ACMG Guidelines, 2015. Collection method: clinical testing. Allele origin: germline.

Labcorp Genetics (formerly Invitae), Labcorp
Classification: Uncertain significance for Anauxetic dysplasia. Last evaluated: 2021-07-14. Review status: criteria provided, single submitter. Criteria: Invitae Variant Classification Sherloc (09022015). Collection method: clinical testing. Allele origin: germline.
Comment: This variant occurs in the RMRP gene, which encodes an RNA molecule that does not result in a protein product. The frequency data for this variant in the population databases is considered unreliable, as metrics indicate insufficient coverage at this position in the ExAC database. This variant has not been reported in the literature in individuals affected with RMRP-related conditions. Experimental studies and prediction algorithms are not available or were not evaluated, and the functional significance of this variant is currently unknown. In summary, the available evidence is currently insufficient to determine the role of this variant in disease. Therefore, it has been classified as a Variant of Uncertain Significance.

Counsyl
Classification: Uncertain significance for Metaphyseal chondrodysplasia, McKusick type. Last evaluated: 2017-11-19. Review status: no assertion criteria provided. Collection method: clinical testing. Allele origin: unknown. Not counted in ClinVar's aggregate classification.